The following is an entry in ClinVar:

ClinVar aggregate classification (germline): Conflicting classifications of pathogenicity. Review status: criteria provided, conflicting classifications (1 of 4 stars). 17 submissions from 15 submitters: Uncertain significance (3); Benign (1); Likely benign (12). 1 of the submissions does not count toward it. Last evaluated 2026-07-01.

Conditions:
DSP-related disorder. Also called: DSP-related condition; DSP-related disorders.
Cardiomyopathy, dilated, with wooly hair, keratoderma, and tooth agenesis. Also called: Cardiomyopathy, dilated, with woolly hair, keratoderma, and tooth agenesis; Erythrokeratodermia-cardiomyopathy syndrome. Identifiers: Orphanet 476096, Orphanet 65282, MedGen C4014393, MONDO:0014355, OMIM 615821.
Arrhythmogenic cardiomyopathy with wooly hair and keratoderma. Also called: Carvajal syndrome; Dilated cardiomyopathy with woolly hair and keratoderma; Arrhythmogenic cardiomyopathy with woolly hair and keratoderma; PALMOPLANTAR KERATODERMA WITH LEFT VENTRICULAR CARDIOMYOPATHY AND WOOLLY HAIR. Identifiers: Orphanet 65282, MedGen C1854063, MONDO:0011581, OMIM 605676.
Keratosis palmoplantaris striata 2. Also called: KERATODERMA, PALMOPLANTAR, STRIATE FORM II; STRIATE PALMOPLANTAR KERATODERMA II; Keratosis palmoplantaris striata II. Identifiers: MedGen C1852127, MONDO:0013034, OMIM 612908.
Arrhythmogenic right ventricular dysplasia 8 (ARVD8). Also called: Arrhythmogenic Right Ventricular Dysplasia/Cardiomyopathy 8; ARRHYTHMOGENIC RIGHT VENTRICULAR DYSPLASIA, FAMILIAL, 8; ARRHYTHMOGENIC RIGHT VENTRICULAR CARDIOMYOPATHY 8. Identifiers: MedGen C1843896, MONDO:0011831, OMIM 607450.
Lethal acantholytic epidermolysis bullosa (EBLA). Identifiers: Orphanet 158687, MedGen C1864826, MONDO:0012323, OMIM 609638.
Cardiovascular phenotype. Identifiers: MedGen CN230736.
Arrhythmogenic right ventricular cardiomyopathy (ARVD). Also called: Arrhythmogenic Right Ventricular Cardiomyopathy (ARVC); Cardiomyopathy, ARVC; Arrhythmogenic right ventricular dysplasia; Arrhythmogenic cardiomyopathy. Identifiers: Orphanet 247, MedGen C0349788, MeSH D019571, MONDO:0016587. Disease mechanism: loss of function. Inheritance: Various modes of inheritance.
Cardiomyopathy (CMYO). Also called: Cardiomyopathies. Identifiers: Orphanet 167848, MedGen C0878544, MONDO:0004994, HP:0001638. Inheritance: Various modes of inheritance.
Woolly hair-skin fragility syndrome (WHSF). Identifiers: Orphanet 293165, MedGen C1843292, MONDO:0957307, OMIM 620415.

Allele frequency attached by ClinVar (database versions not stated): gnomAD 0.00129 and 0.00143; 1000 Genomes Project 30x 0.00125; 1000 Genomes Project 0.00100; TOPMed 0.00130; ESP Exome Variant Server 0.00138.
gnomAD v4.1: 423 of 1,614,028 alleles (0.026%); highest among the groups gnomAD compares: African/African-American, 0.39%; 3 homozygotes.

Submissions (17):

CeGaT Center for Human Genetics Tuebingen
Classification: Likely benign. Last evaluated: 2026-07-01. Review status: criteria provided, single submitter. Criteria: CeGaT Center For Human Genetics Tuebingen Variant Classification Criteria Version 2. Collection method: clinical testing. Allele origin: germline. Affected: yes. Observed: 5 variant alleles.
Comment: DSP: BP4

Labcorp Genetics (formerly Invitae), Labcorp
Classification: Likely benign for Arrhythmogenic cardiomyopathy with wooly hair and keratoderma; Arrhythmogenic right ventricular dysplasia 8. Last evaluated: 2026-02-02. Review status: criteria provided, single submitter. Criteria: Invitae Variant Classification Sherloc (09022015). Collection method: clinical testing. Allele origin: germline.

Molecular Diagnostic Laboratory for Inherited Cardiovascular Disease, Montreal Heart Institute
Classification: Likely benign. Last evaluated: 2025-02-17. Review status: criteria provided, single submitter. Criteria: ACMG Guidelines, 2015. Collection method: clinical testing. Allele origin: germline. Affected: no.

Blueprint Genetics
Classification: Likely benign. Last evaluated: 2024-11-13. Review status: criteria provided, single submitter. Criteria: ACMG Guidelines, 2015. Collection method: clinical testing. Allele origin: germline.

GeneDx
Classification: Likely benign. Last evaluated: 2021-06-03. Review status: criteria provided, single submitter. Criteria: GeneDx Variant Classification Process June 2021. Collection method: clinical testing. Allele origin: germline. Affected: yes.
Comment: This variant is associated with the following publications: (PMID: 25351510)

ARUP Laboratories, Molecular Genetics and Genomics, ARUP Laboratories
Classification: Uncertain significance. Last evaluated: 2020-08-23. Review status: criteria provided, single submitter. Criteria: ARUP Molecular Germline Variant Investigation Process. Collection method: clinical testing. Allele origin: germline.
Comment: The DSP c.2773C>T, p.Arg925Trp variant (rs145933612), to our knowledge, is not reported in the medical literature but is reported in ClinVar (Variation ID: 44881). This variant is found in the African population with an allele frequency of 0.2% (108/24,952 alleles) in the Genome Aggregation Database. The arginine at codon 925 is moderately conserved, but computational analyses (SIFT, PolyPhen-2) predict that this variant is deleterious. Due to limited information, the clinical significance of the p.Arg925Trp variant is uncertain at this time. Gene statement: Pathogenic variants in DSP are associated with autosomal dominant arrhythmogenic right ventricular dysplasia 8 (MIM: 607450), dilated cardiomyopathy with woolly hair, keratoderma, and tooth agenesis (MIM: 615821), and keratosis palmoplantaris striata II (MIM: 612908), and autosomal recessive dilated cardiomyopathy with woolly hair and keratoderma (MIM: 605676), lethal acantholytic epidermolysis bullosa (MIM: 609638), and skin fragility-woolly hair syndrome (MIM: 607655).

CHEO Genetics Diagnostic Laboratory, Children's Hospital of Eastern Ontario
Classification: Benign for Cardiomyopathy. Last evaluated: 2019-10-28. Review status: criteria provided, single submitter. Criteria: ACMG Guidelines, 2015. Collection method: clinical testing. Allele origin: germline.

Ambry Genetics
Classification: Likely benign for Cardiovascular phenotype. Last evaluated: 2019-05-01. Review status: criteria provided, single submitter. Criteria: Ambry Variant Classification Scheme 2023. Collection method: clinical testing. Allele origin: germline.

Color Diagnostics, LLC DBA Color Health
Classification: Likely benign for Cardiomyopathy. Last evaluated: 2018-06-05. Review status: criteria provided, single submitter. Criteria: ACMG Guidelines, 2015. Collection method: clinical testing. Allele origin: germline.

Illumina Laboratory Services, Illumina
Classification: Likely benign for Arrhythmogenic cardiomyopathy with wooly hair and keratoderma. Last evaluated: 2018-02-22. Review status: criteria provided, single submitter. Criteria: ICSL Variant Classification Criteria 13 December 2019. Collection method: clinical testing. Allele origin: germline.
Comment: This variant was observed as part of a predisposition screen in an ostensibly healthy population. A literature search was performed for the gene, cDNA change, and amino acid change (where applicable). No publications were found based on this search. Allele frequency data from public databases allowed determination this variant is unlikely to cause disease. Therefore, this variant is classified as likely benign.

Illumina Laboratory Services, Illumina
Classification: Likely benign for Lethal acantholytic epidermolysis bullosa. Last evaluated: 2018-02-22. Review status: criteria provided, single submitter. Criteria: ICSL Variant Classification Criteria 13 December 2019. Collection method: clinical testing. Allele origin: germline.
Comment: the same text as in the submission from Illumina Laboratory Services, Illumina above.

Illumina Laboratory Services, Illumina
Classification: Likely benign for Arrhythmogenic right ventricular dysplasia 8. Last evaluated: 2018-02-22. Review status: criteria provided, single submitter. Criteria: ICSL Variant Classification Criteria 13 December 2019. Collection method: clinical testing. Allele origin: germline.
Comment: the same text as in the submission from Illumina Laboratory Services, Illumina above.

Women's Health and Genetics/Laboratory Corporation of America, LabCorp
Classification: Likely benign. Last evaluated: 2017-11-21. Review status: criteria provided, single submitter. Criteria: LabCorp Variant Classification Summary - May 2015. Collection method: clinical testing. Allele origin: germline.
Comment: Variant summary: The DSP c.2773C>T (p.Arg925Trp) variant involves the alteration of a conserved nucleotide that is located in the Spectrin/alpha-actinin domain (InterPro). 4/4 in silico tools predict a damaging outcome for this variant (SNPsandGO not captured due to low reliability index). This variant was found in 140/277128 control chromosomes, including 1 homozygote, at a frequency of 0.0005052, which is approximately 51 times the estimated maximal expected allele frequency of a pathogenic DSP variant (0.00001), suggesting this variant is likely a benign polymorphism. Additionally, the variant was found in 105/24026 African control chromosomes, a frequency of 0.00437, which is approximately 437 times above the maximal expected allele frequency, suggesting it is most prevalent in this subpopulation and further supporting a benign impact of the variant. The variant has been cited in the literature without strong evidence for causality. In addition, multiple clinical diagnostic laboratories/reputable databases classified this variant as likely benign. Taken together, this variant is classified as likely benign.

Laboratory for Molecular Medicine, Mass General Brigham Personalized Medicine
Classification: Likely benign. Last evaluated: 2015-11-09. Review status: criteria provided, single submitter. Criteria: LMM Criteria. Collection method: clinical testing. Allele origin: germline. Observed: 4 variant alleles.
Comment: p.Arg925Trp in exon 19 of DSP: This variant is not expected to have clinical sig nificance because it has been identified in 0.4% (45/10296) of African chromosom es by the Exome Aggregation Consortium (ExAC; db SNP rs145933612).

Genomic Diagnostic Laboratory, Division of Genomic Diagnostics, Children's Hospital of Philadelphia
Classification: Uncertain significance for Arrhythmogenic right ventricular cardiomyopathy. Last evaluated: 2015-09-24. Review status: criteria provided, single submitter. Criteria: DGD Variant Analysis Guidelines. Collection method: clinical testing. Allele origin: unknown.

Center for Genomics, Ann and Robert H. Lurie Children's Hospital of Chicago
Classification: Uncertain significance for Arrhythmogenic right ventricular dysplasia 8; Lethal acantholytic epidermolysis bullosa; Keratosis palmoplantaris striata 2; Cardiomyopathy, dilated, with wooly hair, keratoderma, and tooth agenesis; Arrhythmogenic cardiomyopathy with wooly hair and keratoderma. Review status: criteria provided, single submitter. Criteria: ACMG Guidelines, 2015. Collection method: clinical testing. Allele origin: germline.
Comment: DSP NM_004415.3 exon 19 p.Arg925Trp (c.2773C>T): This variant has not been reported in the literature and is present in 0.4% (108/24952) of African alleles in the Genome Aggregation Database. This variant is also present in ClinVar, with several labs classifying this variant as likely benign (Variation ID:44881). However, evolutionary conservation and computational predictive tools suggest that this variant may impact the protein. In summary, data on this variant is insufficient for disease classification. Therefore, the clinical significance of this variant is uncertain.

PreventionGenetics, part of Exact Sciences
Classification: Likely benign for DSP-related condition. Last evaluated: 2019-04-24. Review status: no assertion criteria provided. Collection method: clinical testing. Allele origin: germline. Not counted in ClinVar's aggregate classification.
Comment: This variant is classified as likely benign based on ACMG/AMP sequence variant interpretation guidelines (Richards et al. 2015 PMID: 25741868, with internal and published modifications).

Literature cited by the submitters: PubMed 25351510 (cited by Women's Health and Genetics/Laboratory Corporation of America, LabCorp); PubMed 23292937 (cited by Women's Health and Genetics/Laboratory Corporation of America, LabCorp).

NM_004415.4(DSP):c.2773C>T (p.Arg925Trp)

Gene: DSP (desmoplakin; plus strand). Cytogenetic location: 6p24.3.
Variant type: single nucleotide variant.
Coding change: c.2773C>T on transcript NM_004415.4 (MANE Select); coding-DNA position 2773, C replaced by T.
Protein change: p.Arg925Trp; replaces arginine 925 with tryptophan.
Molecular consequence: missense variant.
Genome position (GRCh38, 1-based): chr6:7,576,436, C>T. VCF-style: chr6-7576436-C-T. GRCh37 (hg19) VCF-style: chr6-7576669-C-T.
Other names: p.R925W:CGG>TGG; c.2773C>T, p.Arg925Trp (NM_001008844.3, NM_001319034.2); short protein forms R925W.
Identifiers: ClinVar variation 44881 (VCV000044881.65), dbSNP rs145933612, ClinGen allele CA005587.